The following is an entry in ClinVar:

NM_007294.4(BRCA1):c.1904A>C (p.Asn635Thr)

Gene: BRCA1 (BRCA1 DNA repair associated; minus strand). Cytogenetic location: 17q21.31.
Variant type: single nucleotide variant.
Coding change: c.1904A>C on transcript NM_007294.4 (MANE Select); coding-DNA position 1904, A replaced by C.
Protein change: p.Asn635Thr; replaces asparagine 635 with threonine.
Molecular consequence: missense variant. On other transcripts: intron variant (137).
Genome position (GRCh38, 1-based): chr17:43,093,627, T>G on the plus strand (A>C on the coding strand, the complement: BRCA1 is on the minus strand). VCF-style: chr17-43093627-T-G. GRCh37 (hg19) VCF-style: chr17-41245644-T-G.
Other names: c.709+1117A>C (NM_001408415.1, NM_001408412.1, NM_001408409.1 and 2 more transcripts); c.577+1117A>C (NM_001408483.1, NM_001408485.1, NM_001408481.1 and 9 more transcripts); c.664+1117A>C (NM_001408442.1, NM_001408426.1, NM_001408429.1 and 12 more transcripts); c.787+1117A>C (NM_001407982.1, NM_001407970.1, NM_001407979.1 and 19 more transcripts); c.646+1117A>C (NM_001408410.1, NM_001408458.1, NM_001408469.1 and 11 more transcripts); c.784+1117A>C (NM_001407986.1, NM_001407972.1, NM_001408400.1 and 13 more transcripts); c.661+1117A>C (NM_001408447.1, NM_001408433.1, NM_001408446.1 and 6 more transcripts); c.1691A>C, p.Asn564Thr (NM_001407571.1, NM_001407853.1, NM_001407894.1 and 9 more transcripts); and 40 more; short protein forms N523T, N609T, N508T, N524T, N564T, N588T, N594T, N634T.
Identifiers: ClinVar variation 1996036 (VCV001996036.5), dbSNP rs1597873443, ClinGen allele CA10598218.

ClinVar aggregate classification (germline): Conflicting classifications of pathogenicity. Review status: criteria provided, conflicting classifications (1 of 4 stars). 2 submissions from 2 submitters: Uncertain significance (1); Likely benign (1). Last evaluated 2023-03-23.

Conditions:
Hereditary breast ovarian cancer syndrome. Also called: Breast and ovarian cancer; Hereditary breast and ovarian cancer syndrome; BRCA1- and BRCA2-Associated Hereditary Breast and Ovarian Cancer; Hereditary breast and ovarian cancer syndrome (HBOC); Hereditary breast and/or ovarian cancer syndrome; Hereditary breast and ovarian cancer. Identifiers: Orphanet 145, MedGen C0677776, MeSH D061325, MONDO:0003582. Disease mechanism: loss of function.
Hereditary cancer-predisposing syndrome. Also called: Neoplastic Syndromes, Hereditary; Hereditary neoplastic syndrome; Tumor predisposition; Hereditary Cancer Syndrome. Identifiers: Orphanet 140162, MedGen C0027672, MeSH D009386, MONDO:0015356.

Submissions (2):

University of Washington Department of Laboratory Medicine, University of Washington
Classification: Likely benign for Hereditary cancer-predisposing syndrome. Last evaluated: 2023-03-23. Review status: criteria provided, single submitter. Criteria: Dines et al. (Genet Med. 2020). Collection method: curation. Allele origin: germline.
Comment: Missense variant in a coldspot region where missense variants are very unlikely to be pathogenic (PMID:31911673).

BRCA1 coldspot (exon 11 using historical exon numbering). Reclassification based on statistical prior probability

Labcorp Genetics (formerly Invitae), Labcorp
Classification: Uncertain significance for Hereditary breast ovarian cancer syndrome. Last evaluated: 2022-05-18. Review status: criteria provided, single submitter. Criteria: Invitae Variant Classification Sherloc (09022015). Collection method: clinical testing. Allele origin: germline.
Comment: This sequence change replaces asparagine, which is neutral and polar, with threonine, which is neutral and polar, at codon 635 of the BRCA1 protein (p.Asn635Thr). In summary, the available evidence is currently insufficient to determine the role of this variant in disease. Therefore, it has been classified as a Variant of Uncertain Significance. Advanced modeling of protein sequence and biophysical properties (such as structural, functional, and spatial information, amino acid conservation, physicochemical variation, residue mobility, and thermodynamic stability) performed at Invitae indicates that this missense variant is not expected to disrupt BRCA1 protein function. This variant has not been reported in the literature in individuals affected with BRCA1-related conditions. This variant is not present in population databases (gnomAD no frequency).